The following is an entry in ClinVar:

ClinVar aggregate classification (germline): Likely benign (1 of 4 stars; one submission).

Allele frequency attached by ClinVar (database versions not stated): gnomAD exomes below 0.00001.
gnomAD v4.1: 1 of 1,614,082 alleles (0.000062%); highest among the groups gnomAD compares: Non-Finnish European, 0.000085%; no homozygotes.

Submission:

CeGaT Center for Human Genetics Tuebingen
Classification: Likely benign. Last evaluated: 2023-03-01. Review status: criteria provided, single submitter. Criteria: CeGaT Center For Human Genetics Tuebingen Variant Classification Criteria Version 2. Collection method: clinical testing. Allele origin: germline. Affected: yes. Observed: 1 variant allele.
Comment: HIRA: PM2:Supporting, BP4, BP7

NM_003325.4(HIRA):c.2283C>T (p.Ser761=)

Gene: HIRA (histone cell cycle regulator; minus strand). Cytogenetic location: 22q11.21.
Variant type: single nucleotide variant.
Coding change: c.2283C>T on transcript NM_003325.4 (MANE Select); coding-DNA position 2283, C replaced by T.
Protein change: p.Ser761=; no amino-acid change (serine 761 retained).
Molecular consequence: synonymous variant.
Genome position (GRCh38, 1-based): chr22:19,357,003, G>A on the plus strand (C>T on the coding strand, the complement: HIRA is on the minus strand). VCF-style: chr22-19357003-G-A. GRCh37 (hg19) VCF-style: chr22-19344526-G-A.
Identifiers: ClinVar variation 2652862 (VCV002652862.24), dbSNP rs960210611, ClinGen allele CA321383536.